The following is an entry in ClinVar:

ClinVar aggregate classification (germline): Benign/Likely benign. Review status: criteria provided, multiple submitters, no conflicts (2 of 4 stars). 4 submissions from 4 submitters: Benign (1); Likely benign (3). Last evaluated 2025-03-28.

Conditions:
Charcot-Marie-Tooth disease dominant intermediate E. Also called: CHARCOT-MARIE-TOOTH NEUROPATHY WITH FOCAL SEGMENTAL GLOMERULONEPHRITIS. Identifiers: Orphanet 93114, MedGen C4302667, MONDO:0013758, OMIM 614455.
Focal segmental glomerulosclerosis 5 (FSGS5). Identifiers: Orphanet 656, MedGen C2750475, MONDO:0013191, OMIM 613237.
INF2-related disorder. Also called: INF2-related condition.

Allele frequency attached by ClinVar (database versions not stated): TOPMed 0.00004; gnomAD 0.00017 and 0.00018; gnomAD exomes 0.00025.
gnomAD v4.1: 141 of 1,549,848 alleles (0.0091%); highest among the groups gnomAD compares: Admixed American, 0.0039%; no homozygotes.

Submissions (4):

PreventionGenetics, part of Exact Sciences
Classification: Likely benign for INF2-related condition. Last evaluated: 2025-03-28. Review status: criteria provided, single submitter. Criteria: ACMG Guidelines, 2015. Collection method: clinical testing. Allele origin: germline.
Comment: This variant is classified as likely benign based on ACMG/AMP sequence variant interpretation guidelines (Richards et al. 2015 PMID: 25741868, with internal and published modifications).

Blueprint Genetics
Classification: Likely benign. Last evaluated: 2023-12-28. Review status: criteria provided, single submitter. Criteria: ACMG Guidelines, 2015. Collection method: clinical testing. Allele origin: germline.

Labcorp Genetics (formerly Invitae), Labcorp
Classification: Benign for Charcot-Marie-Tooth disease dominant intermediate E; Focal segmental glomerulosclerosis 5. Last evaluated: 2023-12-23. Review status: criteria provided, single submitter. Criteria: Invitae Variant Classification Sherloc (09022015). Collection method: clinical testing. Allele origin: germline.

Fulgent Genetics
Classification: Likely benign for Focal segmental glomerulosclerosis 5; Charcot-Marie-Tooth disease dominant intermediate E. Last evaluated: 2022-01-05. Review status: criteria provided, single submitter. Criteria: ACMG Guidelines, 2015. Collection method: clinical testing. Allele origin: unknown.

NM_022489.4(INF2):c.2418+10G>T

Gene: INF2 (inverted formin 2; plus strand). Cytogenetic location: 14q32.33.
Variant type: single nucleotide variant.
Coding change: c.2418+10G>T on transcript NM_022489.4 (MANE Select); 10 bases into the intron after coding-DNA position 2418, G replaced by T.
Molecular consequence: intron variant.
Genome position (GRCh38, 1-based): chr14:104,711,196, G>T. VCF-style: chr14-104711196-G-T. GRCh37 (hg19) VCF-style: chr14-105177533-G-T.
Other names: c.2418+10G>T (NM_022489.3, NM_001031714.4).
Identifiers: ClinVar variation 1169152 (VCV001169152.12), dbSNP rs748035327, ClinGen allele CA7372910.